The following is an entry in ClinVar:

ClinVar aggregate classification (germline): Uncertain significance (1 of 4 stars; one submission).

Conditions:
Hypogonadotropic hypogonadism. Also called: Hypogonadotrophic hypogonadism; Isolated hypogonadotropic hypogonadism; Hypogonadotropic hypogonadism with or without anosmia; Low gonadotropins (secondary hypogonadism). Identifiers: Orphanet 432, MedGen C0271623, MONDO:0018555, HP:0000044.
Hypogonadotropic hypogonadism 7 with or without anosmia (HH7). Also called: GNRHR-Related GnRH Deficiency; HYPOGONADOTROPIC HYPOGONADISM 7 WITHOUT ANOSMIA. Identifiers: Orphanet 432, MedGen C0342384, MONDO:0007794, OMIM 146110.

Submission:

New York Genome Center
Classification: Uncertain significance for Hypogonadotropic Hypogonadism. Last evaluated: 2020-05-29. Review status: criteria provided, single submitter. Criteria: NYGC Assertion Criteria 2020. Collection method: clinical testing. Allele origin: germline. Observed: 1 heterozygote. Study: CSER-NYCKidSeq.

NM_173648.4(CCDC141):c.4312C>T (p.Pro1438Ser)

Gene: CCDC141 (coiled-coil domain containing 141; minus strand). Cytogenetic location: 2q31.2.
Variant type: single nucleotide variant.
Coding change: c.4312C>T on transcript NM_173648.4 (MANE Select); coding-DNA position 4312, C replaced by T.
Protein change: p.Pro1438Ser; replaces proline 1438 with serine.
Molecular consequence: missense variant.
Genome position (GRCh38, 1-based): chr2:178,836,907, G>A on the plus strand (C>T on the coding strand, the complement: CCDC141 is on the minus strand). VCF-style: chr2-178836907-G-A. GRCh37 (hg19) VCF-style: chr2-179701634-G-A.
Other names: short protein forms P1438S.
Identifiers: ClinVar variation 1341698 (VCV001341698.2), dbSNP rs1684498900, ClinGen allele CA349548035.